The following is an entry in ClinVar:

ClinVar aggregate classification (germline): Uncertain significance (1 of 4 stars; one submission).

Conditions:
Combined oxidative phosphorylation defect type 27. Also called: Combined oxidative phosphorylation deficiency 27. Identifiers: Orphanet 477774, MedGen C5567608, MONDO:0014728, OMIM 616672.

Submission:

Labcorp Genetics (formerly Invitae), Labcorp
Classification: Uncertain significance for Combined oxidative phosphorylation defect type 27. Last evaluated: 2019-11-06. Review status: criteria provided, single submitter. Criteria: Invitae Variant Classification Sherloc (09022015). Collection method: clinical testing. Allele origin: germline.
Comment: In summary, the available evidence is currently insufficient to determine the role of this variant in disease. Therefore, it has been classified as a Variant of Uncertain Significance. The current clinical and genetic evidence is not sufficient to establish whether loss-of-function variants in CARS2 cause disease. This variant has not been reported in the literature in individuals with CARS2-related conditions. This variant results in a copy number gain of the genomic region encompassing exons 2-8 of the CARS2 gene. While the exact position of this variant cannot be determined from this data, sub-genic copy number gains are generally in tandem (PMID: 25640679) and may result in an absent or disrupted protein product.

Literature cited by the submitters: PubMed 25640679.

NC_000013.11:g.(?_110667320)_(110705591_?)dup

Gene: CARS2 (cysteinyl-tRNA synthetase 2, mitochondrial; minus strand). Cytogenetic location: 13q34.
Variant type: Duplication.
Identifiers: ClinVar variation 831067 (VCV000831067.6).